The following is an entry in ClinVar:

ClinVar aggregate classification (germline): Uncertain significance. Review status: criteria provided, multiple submitters, no conflicts (2 of 4 stars). 3 submissions from 3 submitters: Uncertain significance (3). Last evaluated 2026-01-09.

Conditions:
Inborn genetic diseases. Identifiers: MedGen C0950123, MeSH D030342.

Allele frequency attached by ClinVar (database versions not stated): TOPMed below 0.00001; ExAC 0.00001.
gnomAD v4.1: 4 of 1,613,984 alleles (0.00025%); highest among the groups gnomAD compares: Non-Finnish European, 0.00034%; no homozygotes.

Submissions (3):

Ambry Genetics
Classification: Uncertain significance for Inborn genetic diseases. Last evaluated: 2026-01-09. Review status: criteria provided, single submitter. Criteria: Ambry Variant Classification Scheme 2023. Collection method: clinical testing. Allele origin: germline.

Labcorp Genetics (formerly Invitae), Labcorp
Classification: Uncertain significance. Last evaluated: 2025-08-07. Review status: criteria provided, single submitter. Criteria: Invitae Variant Classification Sherloc (09022015). Collection method: clinical testing. Allele origin: germline.
Comment: This sequence change replaces aspartic acid, which is acidic and polar, with asparagine, which is neutral and polar, at codon 196 of the FLNB protein (p.Asp196Asn). This variant is present in population databases (rs781124586, gnomAD 0.0009%). This variant has not been reported in the literature in individuals affected with FLNB-related conditions. ClinVar contains an entry for this variant (Variation ID: 2788581). Invitae Evidence Modeling of protein sequence and biophysical properties (such as structural, functional, and spatial information, amino acid conservation, physicochemical variation, residue mobility, and thermodynamic stability) indicates that this missense variant is not expected to disrupt FLNB protein function with a negative predictive value of 95%. In summary, the available evidence is currently insufficient to determine the role of this variant in disease. Therefore, it has been classified as a Variant of Uncertain Significance.

Women's Health and Genetics/Laboratory Corporation of America, LabCorp
Classification: Uncertain significance. Last evaluated: 2024-06-06. Review status: criteria provided, single submitter. Criteria: LabCorp Variant Classification Summary - May 2015. Collection method: clinical testing. Allele origin: germline.
Comment: Variant summary: FLNB c.586G>A (p.Asp196Asn) results in a conservative amino acid change located in the Calponin homology domain (IPR001715) of the encoded protein sequence. Three of five in-silico tools predict a benign effect of the variant on protein function. The variant allele was found at a frequency of 4e-06 in 250812 control chromosomes. The available data on variant occurrences in the general population are insufficient to allow any conclusion about variant significance. To our knowledge, no occurrence of c.586G>A in individuals affected with Larsen Syndrome and no experimental evidence demonstrating its impact on protein function have been reported. ClinVar contains an entry for this variant (Variation ID: 2788581). Based on the evidence outlined above, the variant was classified as uncertain significance.

NM_001457.4(FLNB):c.586G>A (p.Asp196Asn)

Gene: FLNB (filamin B; plus strand). Cytogenetic location: 3p14.3.
Variant type: single nucleotide variant.
Coding change: c.586G>A on transcript NM_001457.4 (MANE Select); coding-DNA position 586, G replaced by A.
Protein change: p.Asp196Asn; replaces aspartic acid 196 with asparagine.
Molecular consequence: missense variant.
Genome position (GRCh38, 1-based): chr3:58,078,761, G>A. VCF-style: chr3-58078761-G-A. GRCh37 (hg19) VCF-style: chr3-58064488-G-A.
Other names: c.586G>A (NM_001457.3); c.586G>A, p.Asp196Asn (NM_001164317.2, NM_001164318.2, NM_001164319.2); short protein forms D196N.
Identifiers: ClinVar variation 2788581 (VCV002788581.5), dbSNP rs781124586, ClinGen allele CA2467567.